The following is an entry in ClinVar:

NM_025137.4(SPG11):c.6766A>C (p.Lys2256Gln)

Gene: SPG11 (SPG11 vesicle trafficking associated, spatacsin; minus strand). Cytogenetic location: 15q21.1.
Variant type: single nucleotide variant.
Coding change: c.6766A>C on transcript NM_025137.4 (MANE Select); coding-DNA position 6766, A replaced by C.
Protein change: p.Lys2256Gln; replaces lysine 2256 with glutamine.
Molecular consequence: missense variant.
Genome position (GRCh38, 1-based): chr15:44,566,294, T>G on the plus strand (A>C on the coding strand, the complement: SPG11 is on the minus strand). VCF-style: chr15-44566294-T-G. GRCh37 (hg19) VCF-style: chr15-44858492-T-G.
Other names: c.6427A>C, p.Lys2143Gln (NM_001160227.2); short protein forms K2143Q, K2256Q.
Identifiers: ClinVar variation 1058633 (VCV001058633.4), dbSNP rs771589139, ClinGen allele CA270058767.

ClinVar aggregate classification (germline): Uncertain significance (1 of 4 stars; one submission).

Conditions:
Hereditary spastic paraplegia 11. Also called: Nakamura Osame syndrome; Autosomal recessive hereditary spastic paraplegia, mental impairment, and thin corpus callosum; Spastic paraplegia, mental retardation and thin corpus callosum; SPASTIC PARAPLEGIA, AUTOSOMAL RECESSIVE, COMPLICATED, WITH THIN CORPUS CALLOSUM; SPASTIC PARAPLEGIA, AUTOSOMAL RECESSIVE, WITH MENTAL IMPAIRMENT AND THIN CORPUS CALLOSUM; Spastic Paraplegia 11. Identifiers: Orphanet 2822, MedGen C1858479, MONDO:0011445, OMIM 604360.

Allele frequency attached by ClinVar (database versions not stated): TOPMed 0.00002; gnomAD 0.00003.
gnomAD v4.1: 72 of 1,614,028 alleles (0.0045%); highest among the groups gnomAD compares: Non-Finnish European, 0.006%; no homozygotes.

Submission:

Labcorp Genetics (formerly Invitae), Labcorp
Classification: Uncertain significance for Hereditary spastic paraplegia 11. Last evaluated: 2021-12-09. Review status: criteria provided, single submitter. Criteria: Invitae Variant Classification Sherloc (09022015). Collection method: clinical testing. Allele origin: germline.
Comment: This sequence change replaces lysine, which is basic and polar, with glutamine, which is neutral and polar, at codon 2256 of the SPG11 protein (p.Lys2256Gln). This variant is present in population databases (no rsID available, gnomAD 0.002%). This variant has not been reported in the literature in individuals affected with SPG11-related conditions. ClinVar contains an entry for this variant (Variation ID: 1058633). Algorithms developed to predict the effect of missense changes on protein structure and function are either unavailable or do not agree on the potential impact of this missense change (SIFT: "Tolerated"; PolyPhen-2: "Possibly Damaging"; Align-GVGD: "Class C0"). In summary, the available evidence is currently insufficient to determine the role of this variant in disease. Therefore, it has been classified as a Variant of Uncertain Significance.